The following is an entry in ClinVar:

NM_001349338.3(FOXP1):c.1428+2T>G

Gene: FOXP1 (forkhead box P1; minus strand). Cytogenetic location: 3p13.
Variant type: single nucleotide variant.
Coding change: c.1428+2T>G on transcript NM_001349338.3 (MANE Select); the canonical splice donor site of the intron after coding-DNA position 1428, T replaced by G.
Molecular consequence: splice donor variant.
Genome position (GRCh38, 1-based): chr3:70,977,641, A>C on the plus strand (T>G on the coding strand, the complement: FOXP1 is on the minus strand). VCF-style: chr3-70977641-A-C. GRCh37 (hg19) VCF-style: chr3-71026792-A-C.
Other names: c.1428+2T>G (NM_001244810.2, NM_032682.6, NM_001349340.3 and 2 more transcripts); c.1425+2T>G (NM_001349341.3, NM_001244808.3); c.1200+2T>G (NM_001244812.3); c.1125+2T>G (NM_001349343.3, NM_001349337.2, NM_001370548.1 and 1 more transcripts); c.1128+2T>G (NM_001349342.3, NM_001244815.2, NM_001244813.3).
Identifiers: ClinVar variation 4879712 (VCV004879712.1).

ClinVar aggregate classification (germline): Pathogenic (1 of 4 stars; one submission).

Conditions:
Intellectual disability-severe speech delay-mild dysmorphism syndrome (IDDLA). Also called: FOXP1 Syndrome; Mental retardation with language impairment and autistic features; Intellectual developmental disorder with language impairment AND with or without autistic features. Identifiers: Orphanet 391372, MedGen C4013764, MONDO:0013352, OMIM 613670.

gnomAD v4.1: 1 of 1,608,354 alleles (0.000062%); highest among the groups gnomAD compares: Non-Finnish European, 0.000085%; no homozygotes.

Submission:

Victorian Clinical Genetics Services, Murdoch Childrens Research Institute
Classification: Pathogenic for Intellectual disability-severe speech delay-mild dysmorphism syndrome. Last evaluated: 2026-03-16. Review status: criteria provided, single submitter. Criteria: ACMG Guidelines, 2015. Collection method: clinical testing. Allele origin: germline. Affected: yes.
Comment: This variant is classified as Pathogenic. Evidence in support of pathogenic classification: Canonical splice site variant without proven consequence on splicing (no functional evidence available); Variant is present in gnomAD <0.001 for a dominant condition (v4: 1 heterozygote(s), 0 homozygote(s)); Other splice region variants comparable to the one identified in this case have strong previous evidence for pathogenicity. The c.1428+1G>C variant has been classified as likely pathogenic by a clinical laboratory in ClinVar and has been reported in the literature in an individual with severe developmental delay, motor and language disorder and ASD. This individual was also reported with a de novo missense variant in TRIO (PMID: 36987741). The c.1428+1G>A variant was identified in an individual with developmental delay, trigonocephaly, speech impairment and intellectual disability (PMID: 29330474), and the c.1428+5G>A variant was identified as de novo in an individual with ASD (PMID: 33590427); Abnormal splicing is predicted by in silico tool and affected nucleotide is highly conserved; Additional information: This variant is heterozygous; This gene is associated with autosomal dominant disease; Alternative nucleotide change(s) at the same canonical splice site are present in gnomAD (highest allele count: v4: 1 heterozygote(s), 0 homozygote(s)); This variant has no previous evidence of pathogenicity; No published evidence of segregation with disease has been identified for this variant; No published functional evidence has been identified for this variant; Loss of function is a known mechanism of disease in this gene and is associated with intellectual developmental disorder with language impairment with or without autistic features (MIM#613670). Dominant-negative is also a suggested disease mechanism (OMIM).

Literature cited by the submitters: PubMed 29330474; PubMed 36987741; PubMed 33590427.